The following is an entry in ClinVar:

NM_173560.4(RFX6):c.2561C>T (p.Ser854Leu)

Gene: RFX6 (regulatory factor X6; plus strand). Cytogenetic location: 6q22.1.
Variant type: single nucleotide variant.
Coding change: c.2561C>T on transcript NM_173560.4 (MANE Select); coding-DNA position 2561, C replaced by T.
Protein change: p.Ser854Leu; replaces serine 854 with leucine.
Molecular consequence: missense variant.
Genome position (GRCh38, 1-based): chr6:116,928,921, C>T. VCF-style: chr6-116928921-C-T. GRCh37 (hg19) VCF-style: chr6-117250084-C-T.
Other names: short protein forms S854L.
Identifiers: ClinVar variation 393396 (VCV000393396.15), dbSNP rs201522681, ClinGen allele CA3973572.

ClinVar aggregate classification (germline): Conflicting classifications of pathogenicity. Review status: criteria provided, conflicting classifications (1 of 4 stars). 4 submissions from 4 submitters: Uncertain significance (2); Likely benign (1). 1 of the submissions does not count toward it. Last evaluated 2025-10-26.

Conditions:
RFX6-related disorder. Also called: RFX6-related condition.
Monogenic diabetes. Identifiers: Orphanet 183625, MedGen C3888631, MONDO:0015967.
Hypoplastic pancreas-intestinal atresia-hypoplastic gallbalder syndrome. Also called: DIABETES, NEONATAL, WITH PANCREATIC HYPOPLASIA, INTESTINAL ATRESIA, AND GALLBLADDER APLASIA OR HYPOPLASIA; Mitchell-Riley syndrome. Identifiers: Orphanet 293864, MedGen C2748662, MONDO:0017400, OMIM 615710.

Allele frequency attached by ClinVar (database versions not stated): 1000 Genomes Project 30x 0.00047; ESP Exome Variant Server 0.00054; 1000 Genomes Project 0.00060; ExAC 0.00077; TOPMed 0.00079; gnomAD exomes 0.00082 and 0.00090; gnomAD 0.00090 and 0.00093.
gnomAD v4.1: 1,338 of 1,613,588 alleles (0.083%); highest among the groups gnomAD compares: Admixed American, 0.2%; 1 homozygote.

Submissions (4):

Labcorp Genetics (formerly Invitae), Labcorp
Classification: Likely benign. Last evaluated: 2025-10-26. Review status: criteria provided, single submitter. Criteria: Invitae Variant Classification Sherloc (09022015). Collection method: clinical testing. Allele origin: germline.

Fulgent Genetics
Classification: Uncertain significance for Hypoplastic pancreas-intestinal atresia-hypoplastic gallbalder syndrome. Last evaluated: 2018-10-31. Review status: criteria provided, single submitter. Criteria: ACMG Guidelines, 2015. Collection method: clinical testing. Allele origin: unknown.

Personalized Diabetes Medicine Program, University of Maryland School of Medicine
Classification: Uncertain significance for Monogenic diabetes. Last evaluated: 2017-03-31. Review status: criteria provided, single submitter. Criteria: ACMG Guidelines, 2015. Collection method: research. Allele origin: unknown. Observed: 2 variant alleles, 2 heterozygotes. Study: Personalized Diabetes Medicine Program.
Comment: ACMG Criteria:PP3, BP4

PreventionGenetics, part of Exact Sciences
Classification: Likely benign for RFX6-related condition. Last evaluated: 2022-02-02. Review status: no assertion criteria provided. Collection method: clinical testing. Allele origin: germline. Not counted in ClinVar's aggregate classification.
Comment: This variant is classified as likely benign based on ACMG/AMP sequence variant interpretation guidelines (Richards et al. 2015 PMID: 25741868, with internal and published modifications).